The following is an entry in ClinVar:

NM_004667.6(HERC2):c.14233-4A>G

Gene: HERC2 (HECT and RLD domain containing E3 ubiquitin protein ligase 2; minus strand). Cytogenetic location: 15q13.1.
Variant type: single nucleotide variant.
Coding change: c.14233-4A>G on transcript NM_004667.6 (MANE Select); 4 bases into the intron before coding-DNA position 14233, A replaced by G.
Molecular consequence: intron variant.
Genome position (GRCh38, 1-based): chr15:28,112,039, T>C on the plus strand (A>G on the coding strand, the complement: HERC2 is on the minus strand). VCF-style: chr15-28112039-T-C. GRCh37 (hg19) VCF-style: chr15-28357185-T-C.
Identifiers: ClinVar variation 4071626 (VCV004071626.1).

ClinVar aggregate classification (germline): Uncertain significance (1 of 4 stars; one submission).

gnomAD v4.1: 26 of 1,612,896 alleles (0.0016%); highest among the groups gnomAD compares: African/African-American, 0.033%; no homozygotes.

Submission:

GeneDx
Classification: Uncertain significance. Last evaluated: 2025-01-24. Review status: criteria provided, single submitter. Criteria: GeneDx Variant Classification Process June 2021. Collection method: clinical testing. Allele origin: germline. Affected: yes.
Comment: Has not been previously published as pathogenic or benign to our knowledge